The following is an entry in ClinVar:

NM_001205254.2(OCLN):c.835A>G (p.Ile279Val)

Gene: OCLN (occludin; plus strand). Cytogenetic location: 5q13.2.
Variant type: single nucleotide variant.
Coding change: c.835A>G on transcript NM_001205254.2 (MANE Select); coding-DNA position 835, A replaced by G.
Protein change: p.Ile279Val; replaces isoleucine 279 with valine.
Molecular consequence: missense variant. On other transcripts: intron variant (1).
Genome position (GRCh38, 1-based): chr5:69,514,053, A>G. VCF-style: chr5-69514053-A-G. GRCh37 (hg19) VCF-style: chr5-68809880-A-G.
Other names: c.82A>G, p.Ile28Val (NM_001205255.2); c.835A>G, p.Ile279Val (NM_002538.4); c.729+4234A>G (NM_001410743.1); short protein forms I279V, I28V.
Identifiers: ClinVar variation 2504719 (VCV002504719.1), dbSNP rs2531136220, ClinGen allele CA360078550.

ClinVar aggregate classification (germline): Uncertain significance (1 of 4 stars; one submission).

Submission:

GeneDx
Classification: Uncertain significance. Last evaluated: 2022-12-09. Review status: criteria provided, single submitter. Criteria: GeneDx Variant Classification Process June 2021. Collection method: clinical testing. Allele origin: germline. Affected: yes.
Comment: Not observed at significant frequency in large population cohorts (gnomAD); In silico analysis supports that this missense variant does not alter protein structure/function; Has not been previously published as pathogenic or benign to our knowledge